The following is an entry in ClinVar:

NM_001267550.2(TTN):c.52541C>T (p.Thr17514Ile)

Genes: TTN (titin; minus strand), TTN-AS1 (TTN antisense RNA 1; plus strand), LOC126806425 (BRD4-independent group 4 enhancer GRCh37_chr2:179471933-179473132; plus strand). Cytogenetic location: 2q31.2.
Variant type: single nucleotide variant.
Coding change: c.52541C>T on transcript NM_001267550.2 (MANE Select); coding-DNA position 52541, C replaced by T.
Protein change: p.Thr17514Ile; replaces threonine 17514 with isoleucine.
Molecular consequence: missense variant.
Genome position (GRCh38, 1-based): chr2:178,608,342, G>A on the plus strand (C>T on the coding strand, the complement: TTN is on the minus strand). VCF-style: chr2-178608342-G-A. GRCh37 (hg19) VCF-style: chr2-179473069-G-A.
Other names: c.47618C>T, p.Thr15873Ile (NM_001256850.1); c.25346C>T, p.Thr8449Ile (NM_003319.4); c.44837C>T, p.Thr14946Ile (NM_133378.4); c.25721C>T, p.Thr8574Ile (NM_133432.3); c.25922C>T, p.Thr8641Ile (NM_133437.4); short protein forms T14946I, T15873I, T17514I, T8449I, T8574I, T8641I.
Identifiers: ClinVar variation 3362157 (VCV003362157.1).

ClinVar aggregate classification (germline): Uncertain significance (1 of 4 stars; one submission).

gnomAD v4.1: 2 of 1,612,306 alleles (0.00012%); highest among the groups gnomAD compares: Non-Finnish European, 0.00017%; no homozygotes.

Submission:

GeneDx
Classification: Uncertain significance. Last evaluated: 2023-05-31. Review status: criteria provided, single submitter. Criteria: GeneDx Variant Classification Process June 2021. Collection method: clinical testing. Allele origin: germline. Affected: yes.
Comment: Not observed at significant frequency in large population cohorts (gnomAD); Missense variant in a gene in which most reported pathogenic variants are truncating/loss of function; Has not been previously published as pathogenic or benign to our knowledge